The following is an entry in ClinVar:

GRCh38/hg38 8q22.2(chr8:99278660-99451719)x1

Gene: VPS13B (vacuolar protein sorting 13 homolog B; plus strand). Cytogenetic location: 8q22.2.
Variant type: copy number loss.
Change: copy number 1 (one copy instead of two) of chr8:99,278,660-99,451,719 (173.1 kb, GRCh38 coordinates, 1-based), cytogenetic band 8q22.2.
Identifiers: ClinVar variation 57435 (VCV000057435.1).

ClinVar aggregate classification (germline): Uncertain significance (1 of 4 stars; one submission).

Submission:

ISCA site 4
Classification: Uncertain significance. Last evaluated: 2011-08-12. Review status: criteria provided, single submitter. Criteria: Kaminsky et al. (Genet Med. 2011). Collection method: clinical testing. Allele origin: paternal. Affected: yes. Observed: 1 variant allele.
Comment: Copy number variation identified through the course of routine clinical cytogenomic testing in postnatal populations. Clinical assertions have been curated as described in Kaminsky et al. 2011.